The following is an entry in ClinVar:

NM_153717.3(EVC):c.1A>G (p.Met1Val)

Genes: EVC (EvC ciliary complex subunit 1; plus strand), LOC129992144 (ATAC-STARR-seq lymphoblastoid silent region 15223; plus strand). Cytogenetic location: 4p16.2.
Variant type: single nucleotide variant.
Coding change: c.1A>G on transcript NM_153717.3 (MANE Select); coding-DNA position 1, A replaced by G.
Protein change: p.Met1Val; changes the start codon (methionine 1).
Molecular consequence: missense variant, initiator codon variant.
Genome position (GRCh38, 1-based): chr4:5,711,381, A>G. VCF-style: chr4-5711381-A-G. GRCh37 (hg19) VCF-style: chr4-5713108-A-G.
Other names: c.1A>G, p.Met1Val (NM_001306090.2, NM_001306092.2); short protein forms M1V.
Identifiers: ClinVar variation 2123597 (VCV002123597.5), dbSNP rs1324604027, ClinGen allele CA356156110.
Genomic context (GRCh38, chr4:5,711,381, plus strand): 5'-CTGGCGGGGACGGTGCAGCAGGCGGCGGGATGCGGCGGGGCGGCAGCCTGAGCGCCCCGG[A>G]TGGCCCGCGGCGGGGCGGCCTGCAAGAGCGACGCGCGGCTGCTGCTGGGGCGGGACGCGC-3'
Protein context (NP_714928.1, residues 1-11): [Met1Val]ARGGAACKSD

ClinVar aggregate classification (germline): Likely pathogenic (1 of 4 stars; one submission).

Conditions:
Ellis-van Creveld syndrome (EVC). Also called: EVC-Related Ellis-van Creveld Syndrome; EVC2-Related Ellis-van Creveld Syndrome; Chondroectodermal dysplasia; MESOECTODERMAL DYSPLASIA. Identifiers: Orphanet 289, MedGen C0013903, MONDO:0009162, OMIM 225500.
Curry-Hall syndrome (WAD). Also called: WEYERS ACRODENTAL DYSOSTOSIS. Identifiers: Orphanet 952, MedGen C0457013, MONDO:0008673, OMIM 193530.

Submission:

Labcorp Genetics (formerly Invitae), Labcorp
Classification: Likely pathogenic for Curry-Hall syndrome; Ellis-van Creveld syndrome. Last evaluated: 2022-04-09. Review status: criteria provided, single submitter. Criteria: Invitae Variant Classification Sherloc (09022015). Collection method: clinical testing. Allele origin: germline.
Comment: In summary, the currently available evidence indicates that the variant is pathogenic, but additional data are needed to prove that conclusively. Therefore, this variant has been classified as Likely Pathogenic. Disruption of the initiator codon has been observed in individuals with Ellis-van Creveld syndrome (PMID: 19810119, 28854412). It has also been observed to segregate with disease in related individuals. This variant is not present in population databases (gnomAD no frequency). This sequence change affects the initiator methionine of the EVC mRNA. The next in-frame methionine is located at codon 92.

Literature cited by the submitters: PubMed 19810119; PubMed 28854412.